The following is an entry in ClinVar:

ClinVar aggregate classification (germline): Likely benign. Review status: criteria provided, single submitter (1 of 4 stars). 2 submissions from 2 submitters: Likely benign (1). 1 of the submissions does not count toward it. Last evaluated 2021-11-30.

Conditions:
SRC-related disorder. Also called: SRC-related condition.

Allele frequency attached by ClinVar (database versions not stated): gnomAD 0.00011; TOPMed 0.00011; ExAC 0.00012; gnomAD exomes 0.00033.
gnomAD v4.1: 490 of 1,612,808 alleles (0.03%); highest among the groups gnomAD compares: Non-Finnish European, 0.04%; no homozygotes.

Submissions (2):

Blueprint Genetics
Classification: Likely benign. Last evaluated: 2021-11-30. Review status: criteria provided, single submitter. Criteria: ACMG Guidelines, 2015. Collection method: clinical testing. Allele origin: germline.

PreventionGenetics, part of Exact Sciences
Classification: Likely benign for SRC-related condition. Last evaluated: 2024-07-30. Review status: no assertion criteria provided. Collection method: clinical testing. Allele origin: germline. Not counted in ClinVar's aggregate classification.
Comment: This variant is classified as likely benign based on ACMG/AMP sequence variant interpretation guidelines (Richards et al. 2015 PMID: 25741868, with internal and published modifications).

NM_198291.3(SRC):c.561C>T (p.Tyr187=)

Gene: SRC (SRC proto-oncogene, non-receptor tyrosine kinase; plus strand). Cytogenetic location: 20q11.23.
Variant type: single nucleotide variant.
Coding change: c.561C>T on transcript NM_198291.3 (MANE Select); coding-DNA position 561, C replaced by T.
Protein change: p.Tyr187=; no amino-acid change (tyrosine 187 retained).
Molecular consequence: synonymous variant.
Genome position (GRCh38, 1-based): chr20:37,396,169, C>T. VCF-style: chr20-37396169-C-T. GRCh37 (hg19) VCF-style: chr20-36024572-C-T.
Other names: c.561C>T, p.Tyr187= (NM_005417.5).
Identifiers: ClinVar variation 3050520 (VCV003050520.3), dbSNP rs201170704, ClinGen allele CA9847829.
Genomic context (GRCh38, chr20:37,396,169, plus strand): 5'-GGCCTGCGGGGGGAGAGGGCATGGCGGTCACGGCTCCCCTCGGTGCCCCGCAGGTGCCTA[C>T]TGCCTCTCAGTGTCTGACTTCGACAACGCCAAGGGCCTCAACGTGAAGCACTACAAGATC-3'
Protein context (NP_938033.1, residues 177-197): VRESETTKGA[Tyr187=]CLSVSDFDNA